The following is an entry in ClinVar:

NM_005559.4(LAMA1):c.3646C>T (p.Pro1216Ser)

Gene: LAMA1 (laminin subunit alpha 1; minus strand). Cytogenetic location: 18p11.31.
Variant type: single nucleotide variant.
Coding change: c.3646C>T on transcript NM_005559.4 (MANE Select); coding-DNA position 3646, C replaced by T.
Protein change: p.Pro1216Ser; replaces proline 1216 with serine.
Molecular consequence: missense variant.
Genome position (GRCh38, 1-based): chr18:7,011,341, G>A on the plus strand (C>T on the coding strand, the complement: LAMA1 is on the minus strand). VCF-style: chr18-7011341-G-A. GRCh37 (hg19) VCF-style: chr18-7011340-G-A.
Other names: short protein forms P1216S.
Identifiers: ClinVar variation 1514622 (VCV001514622.8), dbSNP rs1041644587, ClinGen allele CA401849271.
Genomic context (GRCh38, chr18:7,011,341, plus strand): 5'-GGCTGGGCGTGCACCTCACCTGGTCTCCTTGGAACTGCTGCGGCAGCCGCCAGTAAAACG[G>A]CTCTGCACGGATGTGCTGCCGGACGGTGGCGGCATCCAGCAGGAAGTCGGGGGCCTGGTA-3'
Protein context (NP_005550.2, residues 1206-1226): ATVRQHIRAE[Pro1216Ser]FYWRLPQQFQ

ClinVar aggregate classification (germline): Uncertain significance (1 of 4 stars; one submission).

Submission:

Labcorp Genetics (formerly Invitae), Labcorp
Classification: Uncertain significance. Last evaluated: 2021-06-20. Review status: criteria provided, single submitter. Criteria: Invitae Variant Classification Sherloc (09022015). Collection method: clinical testing. Allele origin: germline.
Comment: In summary, the available evidence is currently insufficient to determine the role of this variant in disease. Therefore, it has been classified as a Variant of Uncertain Significance. Algorithms developed to predict the effect of missense changes on protein structure and function are either unavailable or do not agree on the potential impact of this missense change (SIFT: "Tolerated"; PolyPhen-2: "Possibly Damaging"; Align-GVGD: "Class C0"). This variant has not been reported in the literature in individuals with LAMA1-related conditions. This variant is not present in population databases (ExAC no frequency). This sequence change replaces proline with serine at codon 1216 of the LAMA1 protein (p.Pro1216Ser). The proline residue is moderately conserved and there is a moderate physicochemical difference between proline and serine.